The following is an entry in ClinVar:

NM_000535.7(PMS2):c.340C>T (p.Leu114Phe)

Gene: PMS2 (PMS1 homolog 2, mismatch repair system component; minus strand). Cytogenetic location: 7p22.1.
Variant type: single nucleotide variant.
Coding change: c.340C>T on transcript NM_000535.7 (MANE Select); coding-DNA position 340, C replaced by T.
Protein change: p.Leu114Phe; replaces leucine 114 with phenylalanine.
Molecular consequence: missense variant. On other transcripts: 5 prime UTR variant (9), non-coding transcript variant (1), intron variant (2).
Genome position (GRCh38, 1-based): chr7:6,003,703, G>A on the plus strand (C>T on the coding strand, the complement: PMS2 is on the minus strand). VCF-style: chr7-6003703-G-A. GRCh37 (hg19) VCF-style: chr7-6043334-G-A.
Other names: c.-66C>T (NM_001322003.2, NM_001322004.2, NM_001322005.2 and 3 more transcripts); c.340C>T, p.Leu114Phe (NM_001322006.2, NM_001322014.2); c.-545C>T (NM_001322011.2, NM_001322012.2); c.-145C>T (NM_001322015.2); c.35+269C>T (NM_001322008.2, NM_001322007.2); short protein forms L114F.
Identifiers: ClinVar variation 233032 (VCV000233032.33), dbSNP rs757441871, ClinGen allele CA049251.

ClinVar aggregate classification (germline): Conflicting classifications of pathogenicity. Review status: criteria provided, conflicting classifications (1 of 4 stars). 8 submissions from 8 submitters: Uncertain significance (7); Benign (1). Last evaluated 2026-01-12.

Conditions:
Hereditary cancer-predisposing syndrome. Also called: Neoplastic Syndromes, Hereditary; Tumor predisposition; Hereditary Cancer Syndrome; Hereditary neoplastic syndrome. Identifiers: Orphanet 140162, MedGen C0027672, MeSH D009386, MONDO:0015356.
Lynch syndrome 4 (LYNCH4). Also called: Colorectal cancer, hereditary nonpolyposis, type 4; Hereditary non-polyposis colorectal cancer, type 4. Identifiers: Orphanet 144, MedGen C1838333, MONDO:0013699, OMIM 614337. Disease mechanism: loss of function.
Hereditary nonpolyposis colorectal neoplasms. Identifiers: MedGen C0009405, MeSH D003123.
Lynch syndrome. Identifiers: Orphanet 144, MedGen C4552100, MONDO:0005835. Disease mechanism: loss of function.

Allele frequency attached by ClinVar (database versions not stated): gnomAD exomes below 0.00001; ExAC 0.00001; gnomAD 0.00009 and 0.00010; TOPMed 0.00009; 1000 Genomes Project 30x 0.00016.

Submissions (8):

Labcorp Genetics (formerly Invitae), Labcorp
Classification: Benign for Hereditary nonpolyposis colorectal neoplasms. Last evaluated: 2026-01-12. Review status: criteria provided, single submitter. Criteria: Invitae Variant Classification Sherloc (09022015). Collection method: clinical testing. Allele origin: germline.

Ambry Genetics
Classification: Uncertain significance for Hereditary cancer-predisposing syndrome. Last evaluated: 2025-02-14. Review status: criteria provided, single submitter. Criteria: Ambry Variant Classification Scheme 2023. Collection method: clinical testing. Allele origin: germline.
Comment: The p.L114F variant (also known as c.340C>T), located in coding exon 4 of the PMS2 gene, results from a C to T substitution at nucleotide position 340. The leucine at codon 114 is replaced by phenylalanine, an amino acid with highly similar properties. This amino acid position is highly conserved in available vertebrate species. In addition, this alteration is predicted to be deleterious by in silico analysis. Based on the available evidence, the clinical significance of this variant remains unclear.

All of Us Research Program, National Institutes of Health
Classification: Uncertain significance for Lynch syndrome. Last evaluated: 2024-07-29. Review status: criteria provided, single submitter. Criteria: ACMG Guidelines, 2015. Collection method: clinical testing. Allele origin: germline. Inheritance: Autosomal dominant inheritance. Observed: 10 variant alleles, 10 heterozygotes.
Comment: This missense variant replaces leucine with phenylalanine at codon 114 of the PMS2 protein. Computational prediction suggests that this variant may have deleterious impact on protein structure and function (internally defined REVEL score threshold >= 0.7, PMID: 27666373). To our knowledge, functional studies have not been reported for this variant. This variant has not been reported in individuals affected with PMS2-related disorders in the literature. This variant has been identified in 4/266888 chromosomes in the general population by the Genome Aggregation Database (gnomAD). The available evidence is insufficient to determine the role of this variant in disease conclusively. Therefore, this variant is classified as a Variant of Uncertain Significance.

This study involves interpretation of variants in research participants for the purpose of population health screening. Participant phenotype was not available at the time of variant classification. Additional details can be found in publication PMID: 35346344, PMCID: PMC8962531

GeneDx
Classification: Uncertain significance. Last evaluated: 2024-07-12. Review status: criteria provided, single submitter. Criteria: GeneDx Variant Classification Process June 2021. Collection method: clinical testing. Allele origin: germline. Affected: yes.
Comment: In silico analysis supports that this missense variant has a deleterious effect on protein structure/function; Has not been previously published as pathogenic or benign to our knowledge; This variant is associated with the following publications: (PMID: 11574484)

Color Diagnostics, LLC DBA Color Health
Classification: Uncertain significance for Hereditary cancer-predisposing syndrome. Last evaluated: 2024-06-26. Review status: criteria provided, single submitter. Criteria: ACMG Guidelines, 2015. Collection method: clinical testing. Allele origin: germline.
Comment: This missense variant replaces leucine with phenylalanine at codon 114 of the PMS2 protein. Computational prediction suggests that this variant may have deleterious impact on protein structure and function (internally defined REVEL score threshold >= 0.7, PMID: 27666373). To our knowledge, functional studies have not been reported for this variant. This variant has not been reported in individuals affected with PMS2-related disorders in the literature. This variant has been identified in 4/266888 chromosomes in the general population by the Genome Aggregation Database (gnomAD). The available evidence is insufficient to determine the role of this variant in disease conclusively. Therefore, this variant is classified as a Variant of Uncertain Significance.

Baylor Genetics
Classification: Uncertain significance for Lynch syndrome 4. Last evaluated: 2024-03-14. Review status: criteria provided, single submitter. Criteria: ACMG Guidelines, 2015. Collection method: clinical testing. Allele origin: unknown.

Sema4
Classification: Uncertain significance for Hereditary cancer-predisposing syndrome. Last evaluated: 2021-06-16. Review status: criteria provided, single submitter. Criteria: Sema4 Curation Guidelines. Collection method: curation. Allele origin: germline.
Comment: The PMS2 c.340C>T (p.L114F) variant has not been reported in the literature to our knowledge. It was observed in 4/23590 chromosomes of the African/African American subpopulation in the large and broad cohorts of the Genome Aggregation Database (PMID: 32461654). The variant has been reported in ClinVar (Variation ID 233032). In silico tools suggest the impact of the variant on protein function is deleterious, though these predictions have not been confirmed by functional studies. The evidence is insufficient to meet ACMG/AMP criteria for classifying the variant as benign or pathogenic. Thus, the clinical significance of this variant is currently uncertain.

Quest Diagnostics Nichols Institute San Juan Capistrano
Classification: Uncertain significance. Last evaluated: 2020-12-18. Review status: criteria provided, single submitter. Criteria: Quest Diagnostics criteria. Collection method: clinical testing. Allele origin: unknown.